The following is an entry in ClinVar:

ClinVar aggregate classification (germline): Uncertain significance. Review status: criteria provided, multiple submitters, no conflicts (2 of 4 stars). 3 submissions from 3 submitters: Uncertain significance (3). Last evaluated 2025-05-08.

Conditions:
Hereditary cancer-predisposing syndrome. Also called: Hereditary Cancer Syndrome; Tumor predisposition; Neoplastic Syndromes, Hereditary; Hereditary neoplastic syndrome. Identifiers: Orphanet 140162, MedGen C0027672, MeSH D009386, MONDO:0015356.
Cardiovascular phenotype. Identifiers: MedGen CN230736.
Noonan syndrome 10 (NS10). Identifiers: Orphanet 648, MedGen C4225280, MONDO:0014693, OMIM 616564.

Submissions (3):

Labcorp Genetics (formerly Invitae), Labcorp
Classification: Uncertain significance. Last evaluated: 2025-05-08. Review status: criteria provided, single submitter. Criteria: Invitae Variant Classification Sherloc (09022015). Collection method: clinical testing. Allele origin: germline.
Comment: This sequence change replaces serine, which is neutral and polar, with leucine, which is neutral and non-polar, at codon 176 of the LZTR1 protein (p.Ser176Leu). This variant is not present in population databases (gnomAD no frequency). This variant has not been reported in the literature in individuals affected with LZTR1-related conditions. ClinVar contains an entry for this variant (Variation ID: 1325798). Invitae Evidence Modeling of protein sequence and biophysical properties (such as structural, functional, and spatial information, amino acid conservation, physicochemical variation, residue mobility, and thermodynamic stability) indicates that this missense variant is not expected to disrupt LZTR1 protein function with a negative predictive value of 80%. In summary, the available evidence is currently insufficient to determine the role of this variant in disease. Therefore, it has been classified as a Variant of Uncertain Significance.

Ambry Genetics
Classification: Uncertain significance for Cardiovascular phenotype; Hereditary cancer-predisposing syndrome. Last evaluated: 2022-07-15. Review status: criteria provided, single submitter. Criteria: Ambry Variant Classification Scheme 2023. Collection method: clinical testing. Allele origin: germline.
Comment: The p.S176L variant (also known as c.527C>T), located in coding exon 6 of the LZTR1 gene, results from a C to T substitution at nucleotide position 527. The serine at codon 176 is replaced by leucine, an amino acid with dissimilar properties. This amino acid position is conserved. In addition, this alteration is predicted to be deleterious by in silico analysis. Since supporting evidence is limited at this time, the clinical significance of this alteration remains unclear.

Institute of Human Genetics, University of Leipzig Medical Center
Classification: Uncertain significance for Noonan syndrome 10. Last evaluated: 2021-10-25. Review status: criteria provided, single submitter. Criteria: ACMG Guidelines, 2015. Collection method: clinical testing. Allele origin: de novo. Affected: yes.
Comment: This variant was identified as de novo (maternity and paternity confirmed)._x000D_ Criteria applied: PS2_MOD, PM1_SUP, PM2_SUP, PP3

NM_006767.4(LZTR1):c.527C>T (p.Ser176Leu)

Gene: LZTR1 (leucine zipper like post translational regulator 1; plus strand). Cytogenetic location: 22q11.21.
Variant type: single nucleotide variant.
Coding change: c.527C>T on transcript NM_006767.4 (MANE Select); coding-DNA position 527, C replaced by T.
Protein change: p.Ser176Leu; replaces serine 176 with leucine.
Molecular consequence: missense variant.
Genome position (GRCh38, 1-based): chr22:20,988,806, C>T. VCF-style: chr22-20988806-C-T. GRCh37 (hg19) VCF-style: chr22-21343095-C-T.
Other names: c.527C>T (NM_006767.3); short protein forms S176L.
Identifiers: ClinVar variation 1325798 (VCV001325798.5), dbSNP rs2147962674, ClinGen allele CA410780111.